The following is an entry in ClinVar:

ClinVar aggregate classification (germline): Uncertain significance (1 of 4 stars; one submission).

Conditions:
SH2B1-related disorder. Also called: SH2B1-related condition.

Submission:

PreventionGenetics, part of Exact Sciences
Classification: Uncertain significance for SH2B1-related condition. Last evaluated: 2025-12-10. Review status: criteria provided, single submitter. Criteria: ACMG Guidelines, 2015. Collection method: clinical testing. Allele origin: germline.
Comment: The SH2B1 c.1748A>G variant is predicted to result in the amino acid substitution p.Glu583Gly. To our knowledge, this variant has not been reported in the literature or in a large population database (gnomAD), indicating this variant is rare. At this time, the clinical significance of this variant is uncertain due to the absence of conclusive functional and genetic evidence.

NM_001387430.1(SH2B1):c.1748A>G (p.Glu583Gly)

Gene: SH2B1 (SH2B adaptor protein 1; plus strand). Cytogenetic location: 16p11.2.
Variant type: single nucleotide variant.
Coding change: c.1748A>G on transcript NM_001387430.1 (MANE Select); coding-DNA position 1748, A replaced by G.
Protein change: p.Glu583Gly; replaces glutamic acid 583 with glycine.
Molecular consequence: missense variant.
Genome position (GRCh38, 1-based): chr16:28,872,556, A>G. VCF-style: chr16-28872556-A-G. GRCh37 (hg19) VCF-style: chr16-28883877-A-G.
Other names: c.1748A>G, p.Glu583Gly (NM_001145795.2, NM_001145796.2, NM_001145797.2 and 4 more transcripts); c.740A>G, p.Glu247Gly (NM_001308294.2); short protein forms E583G, E247G.
Identifiers: ClinVar variation 4991720 (VCV004991720.1).